The following is an entry in ClinVar:

NM_173648.4(CCDC141):c.2129C>T (p.Ala710Val)

Genes: CCDC141 (coiled-coil domain containing 141; minus strand), LOC126806434 (MED14-independent group 3 enhancer GRCh37_chr2:179735609-179736808; plus strand). Cytogenetic location: 2q31.2.
Variant type: single nucleotide variant.
Coding change: c.2129C>T on transcript NM_173648.4 (MANE Select); coding-DNA position 2129, C replaced by T.
Protein change: p.Ala710Val; replaces alanine 710 with valine.
Molecular consequence: missense variant.
Genome position (GRCh38, 1-based): chr2:178,871,503, G>A on the plus strand (C>T on the coding strand, the complement: CCDC141 is on the minus strand). VCF-style: chr2-178871503-G-A. GRCh37 (hg19) VCF-style: chr2-179736230-G-A.
Other names: short protein forms A710V.
Identifiers: ClinVar variation 2080615 (VCV002080615.4), dbSNP rs202186722, ClinGen allele CA2007110.

ClinVar aggregate classification (germline): Uncertain significance (1 of 4 stars; one submission).

Allele frequency attached by ClinVar (database versions not stated): TOPMed 0.00020; ESP Exome Variant Server 0.00023; gnomAD exomes 0.00029; gnomAD 0.00039; ExAC 0.00050.
gnomAD v4.1: 475 of 1,613,912 alleles (0.029%); highest among the groups gnomAD compares: South Asian, 0.14%; 2 homozygotes.

Submission:

Labcorp Genetics (formerly Invitae), Labcorp
Classification: Uncertain significance. Last evaluated: 2025-10-08. Review status: criteria provided, single submitter. Criteria: Invitae Variant Classification Sherloc (09022015). Collection method: clinical testing. Allele origin: germline.
Comment: This sequence change replaces alanine, which is neutral and non-polar, with valine, which is neutral and non-polar, at codon 710 of the CCDC141 protein (p.Ala710Val). This variant is present in population databases (rs202186722, gnomAD 0.1%), and has an allele count higher than expected for a pathogenic variant. This variant has not been reported in the literature in individuals affected with CCDC141-related conditions. ClinVar contains an entry for this variant (Variation ID: 2080615). An algorithm developed to predict the effect of missense changes on protein structure and function outputs the following: PolyPhen-2: "Probably Damaging". The valine amino acid residue is found in multiple mammalian species, which suggests that this missense change does not adversely affect protein function. In summary, the available evidence is currently insufficient to determine the role of this variant in disease. Therefore, it has been classified as a Variant of Uncertain Significance.